The following is an entry in ClinVar:

ClinVar aggregate classification (germline): Uncertain significance (1 of 4 stars; one submission).

Conditions:
Gastrointestinal stromal tumor. Also called: Gastrointestinal stromal tumor, somatic; Gastrointestinal stroma tumor. Identifiers: Orphanet 44890, MedGen C0238198, MeSH D046152, MONDO:0011719, OMIM 606764, HP:0100723.

Submission:

Labcorp Genetics (formerly Invitae), Labcorp
Classification: Uncertain significance for Gastrointestinal stromal tumor. Last evaluated: 2024-03-29. Review status: criteria provided, single submitter. Criteria: Invitae Variant Classification Sherloc (09022015). Collection method: clinical testing. Allele origin: germline.
Comment: This sequence change replaces methionine, which is neutral and non-polar, with isoleucine, which is neutral and non-polar, at codon 734 of the PDGFRA protein (p.Met734Ile). This variant is not present in population databases (gnomAD no frequency). This variant has not been reported in the literature in individuals affected with PDGFRA-related conditions. Advanced modeling of protein sequence and biophysical properties (such as structural, functional, and spatial information, amino acid conservation, physicochemical variation, residue mobility, and thermodynamic stability) has been performed at Invitae for this missense variant, however the output from this modeling did not meet the statistical confidence thresholds required to predict the impact of this variant on PDGFRA protein function. In summary, the available evidence is currently insufficient to determine the role of this variant in disease. Therefore, it has been classified as a Variant of Uncertain Significance.

NM_006206.6(PDGFRA):c.2202G>T (p.Met734Ile)

Gene: PDGFRA (platelet derived growth factor receptor alpha; plus strand). Cytogenetic location: 4q12.
Variant type: single nucleotide variant.
Coding change: c.2202G>T on transcript NM_006206.6 (MANE Select); coding-DNA position 2202, G replaced by T.
Protein change: p.Met734Ile; replaces methionine 734 with isoleucine.
Molecular consequence: missense variant.
Genome position (GRCh38, 1-based): chr4:54,280,361, G>T. VCF-style: chr4-54280361-G-T. GRCh37 (hg19) VCF-style: chr4-55146528-G-T.
Other names: c.2202G>T, p.Met734Ile (NM_001347827.2, NM_001347829.2); c.2277G>T, p.Met759Ile (NM_001347828.2); c.2241G>T, p.Met747Ile (NM_001347830.2); short protein forms M734I, M747I, M759I.
Identifiers: ClinVar variation 3682470 (VCV003682470.2).